The following is an entry in ClinVar:

ClinVar aggregate classification (germline): Uncertain significance (1 of 4 stars; one submission).

Conditions:
TRIM37-related disorder. Also called: TRIM37-related condition.

Submission:

PreventionGenetics, part of Exact Sciences
Classification: Uncertain significance for TRIM37-related condition. Last evaluated: 2026-08-17. Review status: criteria provided, single submitter. Criteria: ACMG Guidelines, 2015. Collection method: clinical testing. Allele origin: germline.
Comment: The TRIM37 c.1631G>A variant is predicted to result in the amino acid substitution p.Ser544Asn. To our knowledge, this variant has not been reported in the literature or in a large population database (gnomAD), indicating this variant is rare. At this time, the clinical significance of this variant is uncertain due to the absence of conclusive functional and genetic evidence.

NM_015294.6(TRIM37):c.1631G>A (p.Ser544Asn)

Gene: TRIM37 (tripartite motif containing 37; minus strand). Cytogenetic location: 17q22.
Variant type: single nucleotide variant.
Coding change: c.1631G>A on transcript NM_015294.6 (MANE Select); coding-DNA position 1631, G replaced by A.
Protein change: p.Ser544Asn; replaces serine 544 with asparagine.
Molecular consequence: missense variant. On other transcripts: non-coding transcript variant (2).
Genome position (GRCh38, 1-based): chr17:59,047,719, C>T on the plus strand (G>A on the coding strand, the complement: TRIM37 is on the minus strand). VCF-style: chr17-59047719-C-T. GRCh37 (hg19) VCF-style: chr17-57125080-C-T.
Other names: c.1631G>A, p.Ser544Asn (NM_001005207.5, NM_001320988.3, NM_001320989.3 and 1 more transcripts); c.1529G>A, p.Ser510Asn (NM_001320987.3, NM_001353082.2); c.1265G>A, p.Ser422Asn (NM_001320990.3); c.896G>A, p.Ser299Asn (NM_001353083.2); c.1169G>A, p.Ser390Asn (NM_001353085.2); c.1580G>A, p.Ser527Asn (NM_001353086.2); short protein forms S544N, S299N, S390N, S422N, S510N, S527N.
Identifiers: ClinVar variation 4994477 (VCV004994477.1).
Genomic context (GRCh38, chr17:59,047,719, plus strand): 5'-ACAGTAGTAAAGTGGGAAACTCACATAGTTTCTTCATCAATATCATTTTCTTCTGTATTA[C>T]TTGTTGCTGTGGAACTAGCAGAGGAACTGCTGCCATCGAGCTGATTTACTTCATCCTCAT-3'
Protein context (NP_056109.1, residues 534-554): SSSSASSTAT[Ser544Asn]NTEENDIDEE